The following is an entry in ClinVar:

NM_004369.4(COL6A3):c.9328+1468G>A

Gene: COL6A3 (collagen type VI alpha 3 chain; minus strand). Cytogenetic location: 2q37.3.
Variant type: single nucleotide variant.
Coding change: c.9328+1468G>A on transcript NM_004369.4 (MANE Select); 1468 bases into the intron after coding-DNA position 9328, G replaced by A.
Molecular consequence: intron variant.
Genome position (GRCh38, 1-based): chr2:237,331,982, C>T on the plus strand (G>A on the coding strand, the complement: COL6A3 is on the minus strand). VCF-style: chr2-237331982-C-T. GRCh37 (hg19) VCF-style: chr2-238240625-C-T.
Other names: c.7507+1468G>A (NM_057166.5); c.8710+1468G>A (NM_057167.4).
Identifiers: ClinVar variation 4851356 (VCV004851356.1).
Genomic context (GRCh38, chr2:237,331,982, plus strand): 5'-TTGAAAGAAACACAAGCCCCAATTTCAAAAGCTCTTTTCTCTTTATCACAGGTAGACAGG[C>T]GATCTCAGTGTTAAAGGTCTGGATCAAAAGCACCTTCTTAATTCTGAACCTCACAACTCT-3'

ClinVar aggregate classification (germline): Uncertain significance (1 of 4 stars; one submission).

Conditions:
Bethlem myopathy 1C (BTHLM1C). Identifiers: MedGen C5935581, MONDO:0958234, OMIM 620726.

gnomAD v4.1: 29 of 144,808 alleles (0.02%); highest among the groups gnomAD compares: African/African-American, 0.023%; no homozygotes.

Submission:

Laboratory Cellgenetics, GMDL Cellgenetics
Classification: Uncertain significance for Bethlem myopathy 1C. Last evaluated: 2026-02-03. Review status: criteria provided, single submitter. Criteria: ACMG Guidelines, 2015. Collection method: clinical testing. Allele origin: paternal. Inheritance: Autosomal recessive inheritance. Affected: yes.
Comment: PM2